The following is an entry in ClinVar:

ClinVar aggregate classification (germline): Uncertain significance (1 of 4 stars; one submission).

Conditions:
Congenital myasthenic syndrome 20. Also called: Myasthenic syndrome, congenital, 20, presynaptic. Identifiers: MedGen C4310694, MONDO:0014939, OMIM 617143.
Neuronopathy, distal hereditary motor, type 7A. Also called: NEURONOPATHY, DISTAL HEREDITARY MOTOR, HARDING TYPE VIIA; NEUROPATHY, DISTAL HEREDITARY MOTOR, HARDING TYPE VIIA; Neuronopathy, distal hereditary motor, autosomal dominant 7; Neuronopathy, distal hereditary motor, type viia; HARPER-YOUNG MYOPATHY; HMN VIIA. Identifiers: Orphanet 139589, MedGen C1834703, MONDO:0008024, OMIM 158580.

Allele frequency attached by ClinVar (database versions not stated): gnomAD exomes below 0.00001; ExAC 0.00001.

Submission:

Labcorp Genetics (formerly Invitae), Labcorp
Classification: Uncertain significance for Neuronopathy, distal hereditary motor, type 7A; Congenital myasthenic syndrome 20. Last evaluated: 2021-06-08. Review status: criteria provided, single submitter. Criteria: Invitae Variant Classification Sherloc (09022015). Collection method: clinical testing. Allele origin: germline.
Comment: In summary, the available evidence is currently insufficient to determine the role of this variant in disease. Therefore, it has been classified as a Variant of Uncertain Significance. Algorithms developed to predict the effect of missense changes on protein structure and function are either unavailable or do not agree on the potential impact of this missense change (SIFT: "Deleterious"; PolyPhen-2: "Benign"; Align-GVGD: "Class C55"). This variant has not been reported in the literature in individuals with SLC5A7-related conditions. This variant is present in population databases (rs761583647, ExAC 0.001%). This sequence change replaces alanine with valine at codon 267 of the SLC5A7 protein (p.Ala267Val). The alanine residue is highly conserved and there is a small physicochemical difference between alanine and valine.

NM_021815.5(SLC5A7):c.800C>T (p.Ala267Val)

Gene: SLC5A7 (solute carrier family 5 member 7; plus strand). Cytogenetic location: 2q12.3.
Variant type: single nucleotide variant.
Coding change: c.800C>T on transcript NM_021815.5 (MANE Select); coding-DNA position 800, C replaced by T.
Protein change: p.Ala267Val; replaces alanine 267 with valine.
Molecular consequence: missense variant.
Genome position (GRCh38, 1-based): chr2:108,006,107, C>T. VCF-style: chr2-108006107-C-T. GRCh37 (hg19) VCF-style: chr2-108622563-C-T.
Other names: c.800C>T, p.Ala267Val (NM_001305005.3); c.485C>T, p.Ala162Val (NM_001305006.3); c.59C>T, p.Ala20Val (NM_001305007.3); short protein forms A162V, A20V, A267V.
Identifiers: ClinVar variation 1516326 (VCV001516326.8), dbSNP rs761583647, ClinGen allele CA1819062.